The following is an entry in ClinVar:

NM_001098537.3(PNPLA7):c.256C>T (p.Arg86Trp)

Gene: PNPLA7 (patatin like domain 7, lysophospholipase; minus strand). Cytogenetic location: 9q34.3.
Variant type: single nucleotide variant.
Coding change: c.256C>T on transcript NM_001098537.3 (MANE Select); coding-DNA position 256, C replaced by T.
Protein change: p.Arg86Trp; replaces arginine 86 with tryptophan.
Molecular consequence: missense variant.
Genome position (GRCh38, 1-based): chr9:137,546,847, G>A on the plus strand (C>T on the coding strand, the complement: PNPLA7 is on the minus strand). VCF-style: chr9-137546847-G-A. GRCh37 (hg19) VCF-style: chr9-140441299-G-A.
Other names: c.181C>T, p.Arg61Trp (NM_152286.5); short protein forms R61W, R86W.
Identifiers: ClinVar variation 3067298 (VCV003067298.21), dbSNP rs138942689, ClinGen allele CA5372455.
Genomic context (GRCh38, chr9:137,546,847, plus strand): 5'-TCGAGGAAGCCGTGTGCAGCCTGGGGCCCCGAGCAACAGCTACCTTCCTCATGATCTTCC[G>A]GCCGTAAAACATCACTTTGTCTCTCTTCCGGAACCGGTACTGAGGAGTGGGCTGTGCTTG-3'
Protein context (NP_001092007.2, residues 76-96): RKRDKVMFYG[Arg86Trp]KIMRKVTTLP

ClinVar aggregate classification (germline): Benign (1 of 4 stars; one submission).

Allele frequency attached by ClinVar (database versions not stated): ESP Exome Variant Server 0.00015; gnomAD exomes 0.00025; gnomAD 0.00042; TOPMed 0.00048; ExAC 0.00090; 1000 Genomes Project 0.00140; 1000 Genomes Project 30x 0.00156.

Submission:

CeGaT Center for Human Genetics Tuebingen
Classification: Benign. Last evaluated: 2025-05-01. Review status: criteria provided, single submitter. Criteria: CeGaT Center For Human Genetics Tuebingen Variant Classification Criteria Version 2. Collection method: clinical testing. Allele origin: germline. Affected: yes. Observed: 2 variant alleles.
Comment: PNPLA7: BS1, BS2